The following is an entry in ClinVar:

NM_001613.4(ACTA2):c.507G>A (p.Glu169=)

Gene: ACTA2 (actin alpha 2, smooth muscle; minus strand). Cytogenetic location: 10q23.31.
Variant type: single nucleotide variant.
Coding change: c.507G>A on transcript NM_001613.4 (MANE Select); coding-DNA position 507, G replaced by A.
Protein change: p.Glu169=; no amino-acid change (glutamic acid 169 retained).
Molecular consequence: synonymous variant.
Genome position (GRCh38, 1-based): chr10:88,941,338, C>T on the plus strand (G>A on the coding strand, the complement: ACTA2 is on the minus strand). VCF-style: chr10-88941338-C-T. GRCh37 (hg19) VCF-style: chr10-90701095-C-T.
Other names: c.507G>A, p.Glu169= (NM_001141945.3, NM_001320855.2, NM_001406462.1 and 3 more transcripts); c.396G>A, p.Glu132= (NM_001406466.1); c.378G>A, p.Glu126= (NM_001406467.1, NM_001406468.1, NM_001406469.1).
Identifiers: ClinVar variation 3386250 (VCV003386250.2).
Genomic context (GRCh38, chr10:88,941,338, plus strand): 5'-GTCAGTGAGATCTCGGCCAGCCAGATCCAGACGCATGATGGCATGGGGCAAGGCATAGCC[C>T]TCATAGATGGGGACATTGTGGGTGACACCATCTCCAGAGTCCAGCACGATGCCTGGGAGA-3'
Protein context (NP_001604.1, residues 159-179): DGVTHNVPIY[Glu169=]GYALPHAIMR

ClinVar aggregate classification (germline): Likely benign. Review status: criteria provided, multiple submitters, no conflicts (2 of 4 stars). 3 submissions from 3 submitters: Likely benign (3). Last evaluated 2025-07-13.

Conditions:
Familial thoracic aortic aneurysm and aortic dissection (TAAD). Also called: Thoracic aortic aneurysms and dissections. Identifiers: Orphanet 91387, MedGen C4707243, MONDO:0019625.
Aortic aneurysm, familial thoracic 6 (AAT6). Also called: FAMILIAL THORACIC AORTIC ANEURYSM WITH LIVEDO RETICULARIS AND IRIS FLOCCULI. Identifiers: MedGen C2673186, MONDO:0012730, OMIM 611788.

gnomAD v4.1: 4 of 1,613,736 alleles (0.00025%); highest among the groups gnomAD compares: Admixed American, 0.0033%; no homozygotes.

Submissions (3):

Labcorp Genetics (formerly Invitae), Labcorp
Classification: Likely benign for Aortic aneurysm, familial thoracic 6. Last evaluated: 2025-07-13. Review status: criteria provided, single submitter. Criteria: Invitae Variant Classification Sherloc (09022015). Collection method: clinical testing. Allele origin: germline.

All of Us Research Program, National Institutes of Health
Classification: Likely benign for Familial thoracic aortic aneurysm and aortic dissection. Last evaluated: 2024-06-11. Review status: criteria provided, single submitter. Criteria: ACMG Guidelines, 2015. Collection method: clinical testing. Allele origin: germline. Inheritance: Autosomal dominant inheritance. Observed: 1 variant allele, 1 heterozygote.
Comment: This study involves interpretation of variants in research participants for the purpose of population health screening. Participant phenotype was not available at the time of variant classification. Additional details can be found in publication PMID: 35346344, PMCID: PMC8962531

Color Diagnostics, LLC DBA Color Health
Classification: Likely benign for Familial thoracic aortic aneurysm and aortic dissection. Last evaluated: 2022-04-28. Review status: criteria provided, single submitter. Criteria: ACMG Guidelines, 2015. Collection method: clinical testing. Allele origin: germline.